The following is an entry in ClinVar:

ClinVar aggregate classification (germline): Benign/Likely benign. Review status: criteria provided, multiple submitters, no conflicts (2 of 4 stars). 2 submissions from 2 submitters: Benign (1); Likely benign (1). Last evaluated 2025-07-19.

Conditions:
Tuberous sclerosis 2 (TSC2). Identifiers: Orphanet 805, MedGen C1860707, MONDO:0013199, OMIM 613254.

gnomAD v4.1: 1 of 1,614,214 alleles (0.000062%); highest among the groups gnomAD compares: Non-Finnish European, 0.000085%; no homozygotes.

Submissions (2):

Labcorp Genetics (formerly Invitae), Labcorp
Classification: Likely benign for Tuberous sclerosis 2. Last evaluated: 2025-07-19. Review status: criteria provided, single submitter. Criteria: Invitae Variant Classification Sherloc (09022015). Collection method: clinical testing. Allele origin: germline.

Myriad Genetics, Inc.
Classification: Benign for Tuberous sclerosis 2. Last evaluated: 2025-05-05. Review status: criteria provided, single submitter. Criteria: Myriad Autosomal Dominant, Autosomal Recessive and X-Linked Classification Criteria (2023). Collection method: clinical testing. Allele origin: unknown.
Comment: This variant is considered benign. This variant is a silent/synonymous amino acid change and it is not expected to impact splicing.

NM_000548.5(TSC2):c.414A>G (p.Glu138=)

Gene: TSC2 (TSC complex subunit 2; plus strand). Cytogenetic location: 16p13.3.
Variant type: single nucleotide variant.
Coding change: c.414A>G on transcript NM_000548.5 (MANE Select); coding-DNA position 414, A replaced by G.
Protein change: p.Glu138=; no amino-acid change (glutamic acid 138 retained).
Molecular consequence: synonymous variant. On other transcripts: 5 prime UTR variant (14), non-coding transcript variant (5), intron variant (6).
Genome position (GRCh38, 1-based): chr16:2,054,373, A>G. VCF-style: chr16-2054373-A-G. GRCh37 (hg19) VCF-style: chr16-2104374-A-G.
Other names: c.414A>G, p.Glu138= (NM_001077183.3, NM_001114382.3, NM_001363528.2 and 8 more transcripts); c.303A>G, p.Glu101= (NM_001318827.2, NM_001406670.1, NM_001406678.1); c.267A>G, p.Glu89= (NM_001318829.2, NM_001406675.1, NM_001406676.1 and 1 more transcripts); c.447A>G, p.Glu149= (NM_001318832.2); c.504A>G, p.Glu168= (NM_001406667.1, NM_001406668.1); c.357A>G, p.Glu119= (NM_001406677.1); c.-403A>G (NM_001406680.1, NM_001406683.1, NM_001406687.1); c.-32A>G (NM_001406681.1); and 6 more.
Identifiers: ClinVar variation 4071257 (VCV004071257.2).